The following is an entry in ClinVar:

ClinVar aggregate classification (germline): Benign. Review status: criteria provided, multiple submitters, no conflicts (2 of 4 stars). 4 submissions from 4 submitters: Benign (3). 1 of the submissions does not count toward it. Last evaluated 2026-06-01.

Conditions:
Hoyeraal-Hreidarsson syndrome (HHS). Also called: CEREBELLAR HYPOPLASIA WITH PANCYTOPENIA. Identifiers: Orphanet 3322, MedGen C1846142, MONDO:0018045.
Autosomal recessive dyskeratosis congenita. Identifiers: MedGen C3502105.
DCLRE1B-related disorder. Also called: DCLRE1B-related condition.

Allele frequency attached by ClinVar (database versions not stated): 1000 Genomes Project 0.00020; 1000 Genomes Project 30x 0.00031; TOPMed 0.00117; gnomAD 0.00126 and 0.00129; gnomAD exomes 0.00130 and 0.00196; ESP Exome Variant Server 0.00169; ExAC 0.00184.
gnomAD v4.1: 2,173 of 1,614,194 alleles (0.13%); highest among the groups gnomAD compares: Middle Eastern, 0.59%; 14 homozygotes.

Submissions (5):

CeGaT Center for Human Genetics Tuebingen
Classification: Benign. Last evaluated: 2026-06-01. Review status: criteria provided, single submitter. Criteria: CeGaT Center For Human Genetics Tuebingen Variant Classification Criteria Version 2. Collection method: clinical testing. Allele origin: germline. Affected: yes. Observed: 1 variant allele.
Comment: DCLRE1B: BP4, BS1, BS2

Labcorp Genetics (formerly Invitae), Labcorp
Classification: Benign for Hoyeraal-Hreidarsson syndrome; Autosomal recessive dyskeratosis congenita. Last evaluated: 2024-11-11. Review status: criteria provided, single submitter. Criteria: Invitae Variant Classification Sherloc (09022015). Collection method: clinical testing. Allele origin: germline.

Breakthrough Genomics
Classification: Benign. Review status: criteria provided, single submitter. Criteria: ACMG Guidelines, 2015. Collection method: not provided. Allele origin: germline. Inheritance: Autosomal recessive inheritance. Affected: yes.

PreventionGenetics, part of Exact Sciences
Classification: Benign for DCLRE1B-related condition. Last evaluated: 2019-06-11. Review status: no assertion criteria provided. Collection method: clinical testing. Allele origin: germline. Not counted in ClinVar's aggregate classification.
Comment: This variant is classified as benign based on ACMG/AMP sequence variant interpretation guidelines (Richards et al. 2015 PMID: 25741868, with internal and published modifications).

Dr. Peter K. Rogan Lab, Western University
No classification provided (evidence only). Condition: Sarcoma. Review status: no classification provided. Collection method: in vitro. Allele origin: not applicable. Functional consequence: retained intron. Not counted in ClinVar's aggregate classification.

NM_022836.4(DCLRE1B):c.1528A>T (p.Asn510Tyr)

Gene: DCLRE1B (DNA cross-link repair 1B; plus strand). Cytogenetic location: 1p13.2.
Variant type: single nucleotide variant.
Coding change: c.1528A>T on transcript NM_022836.4 (MANE Select); coding-DNA position 1528, A replaced by T.
Protein change: p.Asn510Tyr; replaces asparagine 510 with tyrosine.
Molecular consequence: missense variant. On other transcripts: intron variant (2).
Genome position (GRCh38, 1-based): chr1:113,912,120, A>T. VCF-style: chr1-113912120-A-T. GRCh37 (hg19) VCF-style: chr1-114454742-A-T.
Other names: c.1528A>T, p.Asn510Tyr (LRG_1219t1); c.1150A>T, p.Asn384Tyr (NM_001319946.2, NM_001319947.2); c.1247-12A>T (NM_001363690.2); c.869-12A>T (NM_001363691.2); short protein forms N510Y, N384Y.
Identifiers: ClinVar variation 533713 (VCV000533713.16), dbSNP rs35397235, ClinGen allele CA1016607.